The following is an entry in ClinVar:

ClinVar aggregate classification (germline): Benign. Review status: criteria provided, multiple submitters, no conflicts (2 of 4 stars). 2 submissions from 2 submitters: Benign (2). Last evaluated 2021-02-24.

Allele frequency attached by ClinVar (database versions not stated): gnomAD 0.47068 and 0.48367; TOPMed 0.47596; 1000 Genomes Project 30x 0.50281; 1000 Genomes Project 0.51298; gnomAD exomes 0.71739.
gnomAD v4.1: 73,633 of 152,188 alleles (48%); highest among the groups gnomAD compares: East Asian, 80%; 21,171 homozygotes.

Submissions (2):

GeneDx
Classification: Benign. Last evaluated: 2021-02-24. Review status: criteria provided, single submitter. Criteria: GeneDx Variant Classification Process June 2021. Collection method: clinical testing. Allele origin: germline. Affected: yes.
Comment: This variant is associated with the following publications: (PMID: 32483191)

Breakthrough Genomics
Classification: Benign. Review status: criteria provided, single submitter. Criteria: ACMG Guidelines, 2015. Collection method: not provided. Allele origin: germline. Inheritance: Unknown mechanism. Affected: yes.

NM_002463.2(MX2):c.-71-6727C>A

Gene: MX2 (MX dynamin like GTPase 2; plus strand). Cytogenetic location: 21q22.3.
Variant type: single nucleotide variant.
Coding change: c.-71-6727C>A on transcript NM_002463.2 (MANE Select); 6727 bases into the intron before 71 bases upstream of the start codon, C replaced by A.
Molecular consequence: intron variant.
Genome position (GRCh38, 1-based): chr21:41,370,109, C>A. VCF-style: chr21-41370109-C-A. GRCh37 (hg19) VCF-style: chr21-42742036-C-A.
Identifiers: ClinVar variation 1289877 (VCV001289877.3), dbSNP rs398206, ClinGen allele CA14873262.
Genomic context (GRCh38, chr21:41,370,109, plus strand): 5'-TGTTCCCCAGAGCTCCGCCCACGACTTGCGTGGCCCAAAGCTGGATGGTCGTCCGTCCCA[C>A]CATGGCGGGTGGGTAAAGGTTCTTTTCCTGGGCTGTGTCATTCCACCCAGAGCAAGGGAT-3'